The following is an entry in ClinVar:

ClinVar aggregate classification (germline): Uncertain significance (1 of 4 stars; one submission).

Conditions:
Hereditary cancer-predisposing syndrome. Also called: Neoplastic Syndromes, Hereditary; Tumor predisposition; Hereditary Cancer Syndrome; Hereditary neoplastic syndrome. Identifiers: Orphanet 140162, MedGen C0027672, MeSH D009386, MONDO:0015356.

Submission:

Ambry Genetics
Classification: Uncertain significance for Hereditary cancer-predisposing syndrome. Last evaluated: 2026-03-09. Review status: criteria provided, single submitter. Criteria: Ambry Variant Classification Scheme 2023. Collection method: clinical testing. Allele origin: germline.
Comment: The p.F770L variant (also known as c.2310C>A), located in coding exon 9 of the AXIN2 gene, results from a C to A substitution at nucleotide position 2310. The phenylalanine at codon 770 is replaced by leucine, an amino acid with highly similar properties. This amino acid position is conserved. In addition, the in silico prediction for this alteration is inconclusive. Based on the available evidence, the clinical significance of this variant remains unclear.

NM_004655.4(AXIN2):c.2310C>A (p.Phe770Leu)

Gene: AXIN2 (axin 2; minus strand). Cytogenetic location: 17q24.1.
Variant type: single nucleotide variant.
Coding change: c.2310C>A on transcript NM_004655.4 (MANE Select); coding-DNA position 2310, C replaced by A.
Protein change: p.Phe770Leu; replaces phenylalanine 770 with leucine.
Molecular consequence: missense variant.
Genome position (GRCh38, 1-based): chr17:65,534,007, G>T on the plus strand (C>A on the coding strand, the complement: AXIN2 is on the minus strand). VCF-style: chr17-65534007-G-T. GRCh37 (hg19) VCF-style: chr17-63530125-G-T.
Other names: c.2115C>A, p.Phe705Leu (NM_001363813.1); short protein forms F705L, F770L.
Identifiers: ClinVar variation 4826948 (VCV004826948.1).